The following is an entry in ClinVar:

ClinVar aggregate classification (germline): Conflicting classifications of pathogenicity. Review status: criteria provided, conflicting classifications (1 of 4 stars). 2 submissions from 2 submitters: Uncertain significance (1); Likely benign (1). Last evaluated 2026-04-17.

Conditions:
Hereditary cancer-predisposing syndrome. Also called: Neoplastic Syndromes, Hereditary; Hereditary Cancer Syndrome; Hereditary neoplastic syndrome; Tumor predisposition. Identifiers: Orphanet 140162, MedGen C0027672, MeSH D009386, MONDO:0015356.
Gastrointestinal stromal tumor. Also called: Gastrointestinal stroma tumor; Gastrointestinal stromal tumor, somatic. Identifiers: Orphanet 44890, MedGen C0238198, MeSH D046152, MONDO:0011719, OMIM 606764, HP:0100723.

Allele frequency attached by ClinVar (database versions not stated): gnomAD exomes below 0.00001; gnomAD 0.00001.
gnomAD v4.1: 3 of 1,575,104 alleles (0.00019%); highest among the groups gnomAD compares: Non-Finnish European, 0.00026%; no homozygotes.

Submissions (2):

Ambry Genetics
Classification: Likely benign for Hereditary cancer-predisposing syndrome. Last evaluated: 2026-04-17. Review status: criteria provided, single submitter. Criteria: Ambry Variant Classification Scheme 2023. Collection method: clinical testing. Allele origin: germline.

Labcorp Genetics (formerly Invitae), Labcorp
Classification: Uncertain significance for Gastrointestinal stromal tumor. Last evaluated: 2025-05-11. Review status: criteria provided, single submitter. Criteria: Invitae Variant Classification Sherloc (09022015). Collection method: clinical testing. Allele origin: germline.
Comment: This sequence change replaces valine, which is neutral and non-polar, with isoleucine, which is neutral and non-polar, at codon 323 of the KIT protein (p.Val323Ile). This variant is present in population databases (no rsID available, gnomAD 0.007%). This variant has not been reported in the literature in individuals affected with KIT-related conditions. ClinVar contains an entry for this variant (Variation ID: 409714). An algorithm developed to predict the effect of missense changes on protein structure and function outputs the following: PolyPhen-2: "Benign". The isoleucine amino acid residue is found in multiple mammalian species, which suggests that this missense change does not adversely affect protein function. In summary, the available evidence is currently insufficient to determine the role of this variant in disease. Therefore, it has been classified as a Variant of Uncertain Significance.

NM_000222.3(KIT):c.967G>A (p.Val323Ile)

Gene: KIT (KIT proto-oncogene, receptor tyrosine kinase; plus strand). Cytogenetic location: 4q12.
Variant type: single nucleotide variant.
Coding change: c.967G>A on transcript NM_000222.3 (MANE Select); coding-DNA position 967, G replaced by A.
Protein change: p.Val323Ile; replaces valine 323 with isoleucine.
Molecular consequence: missense variant.
Genome position (GRCh38, 1-based): chr4:54,707,139, G>A. VCF-style: chr4-54707139-G-A. GRCh37 (hg19) VCF-style: chr4-55573305-G-A.
Other names: c.967G>A, p.Val323Ile (NM_001093772.2, NM_001385285.1, NM_001385286.1); c.970G>A, p.Val324Ile (NM_001385284.1, NM_001385288.1, NM_001385290.1 and 1 more transcripts); short protein forms V323I, V324I.
Identifiers: ClinVar variation 409714 (VCV000409714.12), dbSNP rs1060502539, ClinGen allele CA16611660.